The following is an entry in ClinVar:

NM_001458.5(FLNC):c.8034del (p.Cys2679fs)

Genes: FLNC (filamin C; plus strand), FLNC-AS1 (FLNC antisense RNA 1; minus strand). Cytogenetic location: 7q32.1.
Variant type: Deletion.
Coding change: c.8034del on transcript NM_001458.5 (MANE Select); coding-DNA position 8034, one base deleted (C; older notation c.8034delC).
Protein change: p.Cys2679fs; shifts the reading frame from cysteine 2679.
Molecular consequence: frameshift variant.
Genome position (GRCh38, 1-based): chr7:128,858,379, C deleted; the last of 5 consecutive C bases (chr7:128,858,375-128,858,379); deleting any one gives the same sequence. VCF-style (leftmost placement, unchanged base first): chr7-128858374-AC-A. GRCh37 (hg19) VCF-style: chr7-128498428-AC-A.
Other names: c.7935del, p.Cys2646fs (NM_001127487.2); c.8034delC, p.Cys2679Valfs (NM_001458.4); short protein forms C2646fs, C2679fs.
Identifiers: ClinVar variation 3895130 (VCV003895130.1).

ClinVar aggregate classification (germline): Likely pathogenic (1 of 4 stars; one submission).

Conditions:
Cardiovascular phenotype. Identifiers: MedGen CN230736.

Submission:

Molecular Diagnostic Laboratory for Inherited Cardiovascular Disease, Montreal Heart Institute
Classification: Likely pathogenic for Cardiovascular phenotype. Last evaluated: 2023-11-06. Review status: criteria provided, single submitter. Criteria: ACMG Guidelines, 2015. Collection method: clinical testing. Allele origin: germline. Affected: yes.
Comment: PVS1_strong, PM2